The following is an entry in ClinVar:

ClinVar aggregate classification (germline): Conflicting classifications of pathogenicity. Review status: criteria provided, conflicting classifications (1 of 4 stars). 3 submissions from 3 submitters: Uncertain significance (1); Likely benign (2). Last evaluated 2026-07-24.

Conditions:
PRDM13-related disorder. Also called: PRDM13-related condition.

Allele frequency attached by ClinVar (database versions not stated): gnomAD exomes 0.00041 and 0.00050; ExAC 0.00042; gnomAD 0.00048 and 0.00055; TOPMed 0.00055; ESP Exome Variant Server 0.00097.
gnomAD v4.1: 821 of 1,613,804 alleles (0.051%); highest among the groups gnomAD compares: Admixed American, 0.072%; no homozygotes.

Submissions (3):

PreventionGenetics, part of Exact Sciences
Classification: Uncertain significance for PRDM13-related condition. Last evaluated: 2026-07-24. Review status: criteria provided, single submitter. Criteria: ACMG Guidelines, 2015. Collection method: clinical testing. Allele origin: germline.
Comment: The PRDM13 c.113C>T variant is predicted to result in the amino acid substitution p.Ser38Leu. This variant was reported in a large cohort of individuals with macular degeneration (supplementary data, Kersten et al. 2018. PubMed ID: 30215852). However, this variant is reported in 0.065% of alleles in individuals of European (Non-Finnish) descent in gnomAD, which may be too frequent to be a primary cause of disease. Although we suspect that this variant may be benign, at this time, the clinical significance of this variant is uncertain due to the absence of conclusive functional and genetic evidence.

Labcorp Genetics (formerly Invitae), Labcorp
Classification: Likely benign. Last evaluated: 2026-01-05. Review status: criteria provided, single submitter. Criteria: Invitae Variant Classification Sherloc (09022015). Collection method: clinical testing. Allele origin: germline.

Blueprint Genetics
Classification: Likely benign. Last evaluated: 2024-11-26. Review status: criteria provided, single submitter. Criteria: ACMG Guidelines, 2015. Collection method: clinical testing. Allele origin: germline.

NM_021620.4(PRDM13):c.113C>T (p.Ser38Leu)

Gene: PRDM13 (PR/SET domain 13; plus strand). Cytogenetic location: 6q16.2.
Variant type: single nucleotide variant.
Coding change: c.113C>T on transcript NM_021620.4 (MANE Select); coding-DNA position 113, C replaced by T.
Protein change: p.Ser38Leu; replaces serine 38 with leucine.
Molecular consequence: missense variant.
Genome position (GRCh38, 1-based): chr6:99,607,147, C>T. VCF-style: chr6-99607147-C-T. GRCh37 (hg19) VCF-style: chr6-100055023-C-T.
Other names: short protein forms S38L.
Identifiers: ClinVar variation 837920 (VCV000837920.11), dbSNP rs200657499, ClinGen allele CA3936094.
Genomic context (GRCh38, chr6:99,607,147, plus strand): 5'-TCCCGGCCGGCTTGCGCCTCGGACCGGTGCCTGGTACCTTCAAGCTGGGCAAGTACCTGT[C>T]AGACCGCAGGGAGCCCGGGCCTAAGAAAAAGGTATTGACCATTCAGACCTCTGCCCACTG-3'
Protein context (NP_067633.2, residues 28-48): PGTFKLGKYL[Ser38Leu]DRREPGPKKK